The following is an entry in ClinVar:

NM_000052.7(ATP7A):c.1A>C (p.Met1Leu)

Gene: ATP7A (ATPase copper transporting alpha; plus strand). Cytogenetic location: Xq21.1.
Variant type: single nucleotide variant.
Coding change: c.1A>C on transcript NM_000052.7 (MANE Select); coding-DNA position 1, A replaced by C.
Protein change: p.Met1Leu; changes the start codon (methionine 1).
Molecular consequence: missense variant, initiator codon variant. On other transcripts: non-coding transcript variant (1).
Genome position (GRCh38, 1-based): chrX:77,971,642, A>C. VCF-style: chrX-77971642-A-C. GRCh37 (hg19) VCF-style: chrX-77227139-A-C.
Other names: c.1A>C, p.Met1Leu (NM_001282224.2); short protein forms M1L.
Identifiers: ClinVar variation 3756224 (VCV003756224.2).
Genomic context (GRCh38, chrX:77,971,642, plus strand): 5'-TTGCATGGCTGAAATTAATGAATTTATTGTTTCTAACAGGAATGTAATGAGGAAATCAAA[A>C]TGGATCCAAGTATGGGTGTGAATTCTGTTACCATTTCTGTTGAGGGTATGACTTGCAATT-3'
Protein context (NP_000043.4, residues 1-11): [Met1Leu]DPSMGVNSVT

ClinVar aggregate classification (germline): Uncertain significance (1 of 4 stars; one submission).

Conditions:
Menkes kinky-hair syndrome (MNK). Also called: Copper transport disease; Menkes Disease; Classic Menkes Disease. Identifiers: Orphanet 565, MedGen C0022716, MONDO:0010651, OMIM 309400.
X-linked distal spinal muscular atrophy type 3. Also called: ATP7A-Related Distal Motor Neuropathy; SPINAL MUSCULAR ATROPHY, DISTAL, X-LINKED RECESSIVE; NEURONOPATHY, DISTAL HEREDITARY MOTOR, X-LINKED; NEUROPATHY, DISTAL HEREDITARY MOTOR, X-LINKED. Identifiers: Orphanet 139557, MedGen C1845359, MONDO:0010338, OMIM 300489.
Cutis laxa, X-linked (OHS). Also called: EDS IX; Occipital horn syndrome. Identifiers: Orphanet 198, MedGen C0268353, MONDO:0010572, OMIM 304150.

Submission:

Labcorp Genetics (formerly Invitae), Labcorp
Classification: Uncertain significance for X-linked distal spinal muscular atrophy type 3; Cutis laxa, X-linked; Menkes kinky-hair syndrome. Last evaluated: 2024-09-03. Review status: criteria provided, single submitter. Criteria: Invitae Variant Classification Sherloc (09022015). Collection method: clinical testing. Allele origin: germline.
Comment: This sequence change affects the initiator methionine of the ATP7A mRNA. The next in-frame methionine is located at codon 5. This variant is not present in population databases (gnomAD no frequency). This variant has not been reported in the literature in individuals affected with ATP7A-related conditions. Experimental studies and prediction algorithms are not available or were not evaluated, and the functional significance of this variant is currently unknown. In summary, the available evidence is currently insufficient to determine the role of this variant in disease. Therefore, it has been classified as a Variant of Uncertain Significance.